The following is an entry in ClinVar:

NM_004360.5(CDH1):c.2629G>C (p.Gly877Arg)

Gene: CDH1 (cadherin 1; plus strand). Cytogenetic location: 16q22.1.
Variant type: single nucleotide variant.
Coding change: c.2629G>C on transcript NM_004360.5 (MANE Select); coding-DNA position 2629, G replaced by C.
Protein change: p.Gly877Arg; replaces glycine 877 with arginine.
Molecular consequence: missense variant.
Genome position (GRCh38, 1-based): chr16:68,833,479, G>C. VCF-style: chr16-68833479-G-C. GRCh37 (hg19) VCF-style: chr16-68867382-G-C.
Other names: c.2446G>C, p.Gly816Arg (NM_001317184.2); c.1081G>C, p.Gly361Arg (NM_001317185.2); c.664G>C, p.Gly222Arg (NM_001317186.2); short protein forms G222R, G877R, G361R, G816R.
Identifiers: ClinVar variation 2693114 (VCV002693114.3), dbSNP rs555842031, ClinGen allele CA396472853.

ClinVar aggregate classification (germline): Uncertain significance (1 of 4 stars; one submission).

Conditions:
Hereditary diffuse gastric adenocarcinoma (HDGC). Also called: DIFFUSE GASTRIC AND LOBULAR BREAST CANCER SYNDROME. Identifiers: Orphanet 26106, MedGen C1708349, MONDO:0007648, OMIM 137215.

Submission:

Labcorp Genetics (formerly Invitae), Labcorp
Classification: Uncertain significance for Hereditary diffuse gastric adenocarcinoma. Last evaluated: 2024-12-02. Review status: criteria provided, single submitter. Criteria: Invitae Variant Classification Sherloc (09022015). Collection method: clinical testing. Allele origin: germline.
Comment: This sequence change replaces glycine, which is neutral and non-polar, with arginine, which is basic and polar, at codon 877 of the CDH1 protein (p.Gly877Arg). This variant is not present in population databases (gnomAD no frequency). This missense change has been observed in individual(s) with breast cancer (PMID: 30287823). ClinVar contains an entry for this variant (Variation ID: 2693114). An algorithm developed to predict the effect of missense changes on protein structure and function (PolyPhen-2) suggests that this variant is likely to be disruptive. In summary, the available evidence is currently insufficient to determine the role of this variant in disease. Therefore, it has been classified as a Variant of Uncertain Significance.

Literature cited by the submitters: PubMed 30287823.